The following is an entry in ClinVar:

ClinVar aggregate classification (germline): Benign/Likely benign. Review status: criteria provided, multiple submitters, no conflicts (2 of 4 stars). 3 submissions from 3 submitters: Benign (1); Likely benign (1). 1 of the submissions does not count toward it. Last evaluated 2026-07-01.

Conditions:
KAT6A-related disorder. Also called: KAT6A-related condition.

gnomAD v4.1: 131 of 1,613,892 alleles (0.0081%); highest among the groups gnomAD compares: Middle Eastern, 0.016%; no homozygotes.

Submissions (3):

CeGaT Center for Human Genetics Tuebingen
Classification: Likely benign. Last evaluated: 2026-07-01. Review status: criteria provided, single submitter. Criteria: CeGaT Center For Human Genetics Tuebingen Variant Classification Criteria Version 2. Collection method: clinical testing. Allele origin: germline. Affected: yes. Observed: 1 variant allele.
Comment: KAT6A: BP4, BP7

Labcorp Genetics (formerly Invitae), Labcorp
Classification: Benign. Last evaluated: 2026-01-28. Review status: criteria provided, single submitter. Criteria: Invitae Variant Classification Sherloc (09022015). Collection method: clinical testing. Allele origin: germline.

PreventionGenetics, part of Exact Sciences
Classification: Likely benign for KAT6A-related condition. Last evaluated: 2019-06-06. Review status: no assertion criteria provided. Collection method: clinical testing. Allele origin: germline. Not counted in ClinVar's aggregate classification.
Comment: This variant is classified as likely benign based on ACMG/AMP sequence variant interpretation guidelines (Richards et al. 2015 PMID: 25741868, with internal and published modifications).

NM_006766.5(KAT6A):c.2397C>T (p.Asn799=)

Gene: KAT6A (lysine acetyltransferase 6A; minus strand). Cytogenetic location: 8p11.21.
Variant type: single nucleotide variant.
Coding change: c.2397C>T on transcript NM_006766.5 (MANE Select); coding-DNA position 2397, C replaced by T.
Protein change: p.Asn799=; no amino-acid change (asparagine 799 retained).
Molecular consequence: synonymous variant.
Genome position (GRCh38, 1-based): chr8:41,942,832, G>A on the plus strand (C>T on the coding strand, the complement: KAT6A is on the minus strand). VCF-style: chr8-41942832-G-A. GRCh37 (hg19) VCF-style: chr8-41800350-G-A.
Other names: c.2397C>T, p.Asn799= (NM_001305878.2); c.2397C>T (NM_006766.4).
Identifiers: ClinVar variation 2150576 (VCV002150576.7), dbSNP rs773517227, ClinGen allele CA4729924.